The following is an entry in ClinVar:

NM_203447.4(DOCK8):c.157-1G>T

Genes: DOCK8 (dedicator of cytokinesis 8; plus strand), LOC126860552 (BRD4-independent group 4 enhancer GRCh37_chr9:285795-286994; plus strand). Cytogenetic location: 9p24.3.
Variant type: single nucleotide variant.
Coding change: c.157-1G>T on transcript NM_203447.4 (MANE Select); the canonical splice acceptor site of the intron before coding-DNA position 157, G replaced by T.
Molecular consequence: splice acceptor variant.
Genome position (GRCh38, 1-based): chr9:286,460, G>T. VCF-style: chr9-286460-G-T. GRCh37 (hg19) VCF-style: chr9-286460-G-T.
Other names: c.-48-1G>T (NM_001193536.2, NM_001190458.2).
Identifiers: ClinVar variation 3043917 (VCV003043917.2), dbSNP rs2537558012, ClinGen allele CA372755690.

ClinVar aggregate classification (germline): Likely pathogenic (0 of 4 stars; one submission).

Conditions:
DOCK8-related disorder. Also called: DOCK8-related condition.

Allele frequency attached by ClinVar (database versions not stated): gnomAD exomes below 0.00001.
gnomAD v4.1: 3 of 1,613,706 alleles (0.00019%); highest among the groups gnomAD compares: Non-Finnish European, 0.00025%; no homozygotes.

Submission:

PreventionGenetics, part of Exact Sciences
Classification: Likely pathogenic for DOCK8-related condition. Last evaluated: 2024-02-27. Review status: no assertion criteria provided. Collection method: clinical testing. Allele origin: germline.
Comment: The DOCK8 c.157-1G>T variant is predicted to disrupt the AG splice acceptor site and interfere with normal splicing. To our knowledge, this variant has not been reported in the literature or in a large population database, indicating this variant is rare. Variants that disrupt the consensus splice acceptor site in DOCK8 are expected to be pathogenic. This variant is interpreted as likely pathogenic for autosomal recessive DOCK8-related disorders. It is uncertain if this variant could contribute to other suggested DOCK8-related disorders in the heterozygous state.